The following is an entry in ClinVar:

ClinVar aggregate classification (germline): Uncertain significance. Review status: criteria provided, multiple submitters, no conflicts (2 of 4 stars). 2 submissions from 2 submitters: Uncertain significance (2). Last evaluated 2025-01-10.

Conditions:
Alzheimer disease. Also called: Presenile and senile dementia; Alzheimer's disease. Identifiers: Orphanet 1020, MedGen C0002395, MeSH D000544, MONDO:0004975, HP:0002511.

Allele frequency attached by ClinVar (database versions not stated): ExAC 0.00001; gnomAD exomes 0.00002; gnomAD 0.00003 and 0.00004; TOPMed 0.00003.
gnomAD v4.1: 34 of 1,613,898 alleles (0.0021%); highest among the groups gnomAD compares: Middle Eastern, 0.033%; no homozygotes.

Submissions (2):

GeneDx
Classification: Uncertain significance. Last evaluated: 2025-01-10. Review status: criteria provided, single submitter. Criteria: GeneDx Variant Classification Process June 2021. Collection method: clinical testing. Allele origin: germline. Affected: yes.
Comment: In silico analysis supports that this missense variant has a deleterious effect on protein structure/function; Has not been previously published as pathogenic or benign to our knowledge

Labcorp Genetics (formerly Invitae), Labcorp
Classification: Uncertain significance for Alzheimer disease. Last evaluated: 2024-11-11. Review status: criteria provided, single submitter. Criteria: Invitae Variant Classification Sherloc (09022015). Collection method: clinical testing. Allele origin: germline.
Comment: This sequence change replaces arginine, which is basic and polar, with histidine, which is basic and polar, at codon 469 of the APP protein (p.Arg469His). This variant is present in population databases (rs199549173, gnomAD 0.05%). This variant has not been reported in the literature in individuals affected with APP-related conditions. ClinVar contains an entry for this variant (Variation ID: 1521134). Invitae Evidence Modeling of protein sequence and biophysical properties (such as structural, functional, and spatial information, amino acid conservation, physicochemical variation, residue mobility, and thermodynamic stability) has been performed for this missense variant. However, the output from this modeling did not meet the statistical confidence thresholds required to predict the impact of this variant on APP protein function. In summary, the available evidence is currently insufficient to determine the role of this variant in disease. Therefore, it has been classified as a Variant of Uncertain Significance.

NM_000484.4(APP):c.1406G>A (p.Arg469His)

Gene: APP (amyloid beta precursor protein; minus strand). Cytogenetic location: 21q21.3.
Variant type: single nucleotide variant.
Coding change: c.1406G>A on transcript NM_000484.4 (MANE Select); coding-DNA position 1406, G replaced by A.
Protein change: p.Arg469His; replaces arginine 469 with histidine.
Molecular consequence: missense variant.
Genome position (GRCh38, 1-based): chr21:25,975,122, C>T on the plus strand (G>A on the coding strand, the complement: APP is on the minus strand). VCF-style: chr21-25975122-C-T. GRCh37 (hg19) VCF-style: chr21-27347435-C-T.
Other names: c.1406G>A (NM_000484.3); c.1334G>A, p.Arg445His (NM_001136016.3); c.1013G>A, p.Arg338His (NM_001136129.3); c.1238G>A, p.Arg413His (NM_001136130.3, NM_001385253.1); c.1076G>A, p.Arg359His (NM_001136131.3); c.1406G>A, p.Arg469His (NM_001204301.2); c.1349G>A, p.Arg450His (NM_001204302.2, NM_201413.3); c.1181G>A, p.Arg394His (NM_001204303.2, NM_201414.3); short protein forms R338H, R413H, R445H, R450H, R394H, R469H, R359H.
Identifiers: ClinVar variation 1521134 (VCV001521134.7), dbSNP rs199549173, ClinGen allele CA9987333.